The following is an entry in ClinVar:

NM_001999.4(FBN2):c.4059G>C (p.Gln1353His)

Gene: FBN2 (fibrillin 2; minus strand). Cytogenetic location: 5q23.3.
Variant type: single nucleotide variant.
Coding change: c.4059G>C on transcript NM_001999.4 (MANE Select); coding-DNA position 4059, G replaced by C.
Protein change: p.Gln1353His; replaces glutamine 1353 with histidine.
Molecular consequence: missense variant.
Genome position (GRCh38, 1-based): chr5:128,334,759, C>G on the plus strand (G>C on the coding strand, the complement: FBN2 is on the minus strand). VCF-style: chr5-128334759-C-G. GRCh37 (hg19) VCF-style: chr5-127670451-C-G.
Other names: short protein forms Q1353H.
Identifiers: ClinVar variation 4686822 (VCV004686822.1).

ClinVar aggregate classification (germline): Uncertain significance (1 of 4 stars; one submission).

gnomAD v4.1: 3 of 1,614,060 alleles (0.00019%); highest among the groups gnomAD compares: South Asian, 0.0011%; no homozygotes.

Submission:

GeneDx
Classification: Uncertain significance. Last evaluated: 2025-07-21. Review status: criteria provided, single submitter. Criteria: GeneDx Variant Classification Process June 2021. Collection method: clinical testing. Allele origin: germline. Affected: yes.
Comment: Not observed at significant frequency in large population cohorts (gnomAD); In silico analysis supports that this missense variant has a deleterious effect on protein structure/function; Has not been previously published as pathogenic or benign to our knowledge; Although located in a calcium-binding EGF-like domain of the FBN2 gene, it does not substitute or introduce a cysteine residue (PMID: 18767143, 19006240); This variant is associated with the following publications: (PMID: 18767143, 19006240)